The following is an entry in ClinVar:

NM_001382430.1(AKT1):c.828+4C>T

Gene: AKT1 (AKT serine/threonine kinase 1; minus strand). Cytogenetic location: 14q32.33.
Variant type: single nucleotide variant.
Coding change: c.828+4C>T on transcript NM_001382430.1 (MANE Select); 4 bases into the intron after coding-DNA position 828, C replaced by T.
Molecular consequence: intron variant.
Genome position (GRCh38, 1-based): chr14:104,773,451, G>A on the plus strand (C>T on the coding strand, the complement: AKT1 is on the minus strand). VCF-style: chr14-104773451-G-A. GRCh37 (hg19) VCF-style: chr14-105239788-G-A.
Other names: c.828+4C>T (NM_001014431.2, NM_001014432.2, NM_001382433.1 and 3 more transcripts).
Identifiers: ClinVar variation 410912 (VCV000410912.12), dbSNP rs3730330, ClinGen allele CA7374636.

ClinVar aggregate classification (germline): Uncertain significance (1 of 4 stars; one submission).

Conditions:
Cowden syndrome 6 (CWS6). Identifiers: Orphanet 201, MedGen C3554519, MONDO:0014048, OMIM 615109.

Allele frequency attached by ClinVar (database versions not stated): gnomAD 0.00004 and 0.00005; gnomAD exomes 0.00004; ExAC 0.00008; ESP Exome Variant Server 0.00008; TOPMed 0.00008; 1000 Genomes Project 0.00020; 1000 Genomes Project 30x 0.00031.
gnomAD v4.1: 190 of 1,613,894 alleles (0.012%); highest among the groups gnomAD compares: Non-Finnish European, 0.015%; no homozygotes.

Submission:

Labcorp Genetics (formerly Invitae), Labcorp
Classification: Uncertain significance for Cowden syndrome 6. Last evaluated: 2025-04-08. Review status: criteria provided, single submitter. Criteria: Invitae Variant Classification Sherloc (09022015). Collection method: clinical testing. Allele origin: germline.
Comment: This sequence change falls in intron 9 of the AKT1 gene. It does not directly change the encoded amino acid sequence of the AKT1 protein. It affects a nucleotide within the consensus splice site. This variant is present in population databases (rs3730330, gnomAD 0.008%). This variant has not been reported in the literature in individuals affected with AKT1-related conditions. ClinVar contains an entry for this variant (Variation ID: 410912). Variants that disrupt the consensus splice site are a relatively common cause of aberrant splicing (PMID: 17576681, 9536098). Algorithms developed to predict the effect of sequence changes on RNA splicing suggest that this variant is not likely to affect RNA splicing. In summary, the available evidence is currently insufficient to determine the role of this variant in disease. Therefore, it has been classified as a Variant of Uncertain Significance.

Literature cited by the submitters: PubMed 17576681; PubMed 9536098.